The following is an entry in ClinVar:

NM_007074.4(CORO1A):c.685G>C (p.Val229Leu)

Genes: CORO1A (coronin 1A; plus strand), LOC121587541 (Sharpr-MPRA regulatory region 7413; plus strand). Cytogenetic location: 16p11.2.
Variant type: single nucleotide variant.
Coding change: c.685G>C on transcript NM_007074.4 (MANE Select); coding-DNA position 685, G replaced by C.
Protein change: p.Val229Leu; replaces valine 229 with leucine.
Molecular consequence: missense variant.
Genome position (GRCh38, 1-based): chr16:30,187,430, G>C. VCF-style: chr16-30187430-G-C. GRCh37 (hg19) VCF-style: chr16-30198751-G-C.
Other names: c.685G>C, p.Val229Leu (NM_001193333.3); short protein forms V229L.
Identifiers: ClinVar variation 948936 (VCV000948936.7), dbSNP rs757965812, ClinGen allele CA8003212.

ClinVar aggregate classification (germline): Uncertain significance (1 of 4 stars; one submission).

Conditions:
Severe combined immunodeficiency due to CORO1A deficiency. Also called: IMMUNODEFICIENCY 8 WITH LYMPHOPROLIFERATION; Immunodeficiency 8. Identifiers: Orphanet 228003, MedGen C3809383, MONDO:0014168, OMIM 615401.

Allele frequency attached by ClinVar (database versions not stated): TOPMed 0.00006.
gnomAD v4.1: 27 of 1,610,894 alleles (0.0017%); highest among the groups gnomAD compares: Admixed American, 0.027%; no homozygotes.

Submission:

Labcorp Genetics (formerly Invitae), Labcorp
Classification: Uncertain significance for Severe combined immunodeficiency due to CORO1A deficiency. Last evaluated: 2021-08-28. Review status: criteria provided, single submitter. Criteria: Invitae Variant Classification Sherloc (09022015). Collection method: clinical testing. Allele origin: germline.
Comment: This sequence change replaces valine with leucine at codon 229 of the CORO1A protein (p.Val229Leu). The valine residue is moderately conserved and there is a small physicochemical difference between valine and leucine. This variant is present in population databases (rs757965812, ExAC 0.03%). This variant has not been reported in the literature in individuals affected with CORO1A-related conditions. Algorithms developed to predict the effect of missense changes on protein structure and function (SIFT, PolyPhen-2, Align-GVGD) all suggest that this variant is likely to be tolerated. In summary, the available evidence is currently insufficient to determine the role of this variant in disease. Therefore, it has been classified as a Variant of Uncertain Significance.